The following is an entry in ClinVar:

NM_025000.4(DCAF17):c.1231dup (p.Ser411fs)

Gene: DCAF17 (DDB1 and CUL4 associated factor 17; plus strand). Cytogenetic location: 2q31.1.
Variant type: Duplication.
Coding change: c.1231dup on transcript NM_025000.4 (MANE Select); coding-DNA position 1231, one base duplicated (A; older notation c.1231dupA).
Protein change: p.Ser411fs; shifts the reading frame from serine 411.
Molecular consequence: frameshift variant. On other transcripts: non-coding transcript variant (1).
Genome position (GRCh38, 1-based): chr2:171,478,035, A duplicated; the last of 8 consecutive A bases (chr2:171,478,028-171,478,035); duplicating any one gives the same sequence. VCF-style (leftmost placement, unchanged base first): chr2-171478027-T-TA. GRCh37 (hg19) VCF-style: chr2-172334537-T-TA.
Other names: c.1030dup, p.Ser344fs (NM_001164821.2); short protein forms S344fs, S411fs.
Identifiers: ClinVar variation 3704335 (VCV003704335.2).

ClinVar aggregate classification (germline): Pathogenic (1 of 4 stars; one submission).

Conditions:
Woodhouse-Sakati syndrome. Also called: EXTRAPYRAMIDAL DISORDER, PROGRESSIVE, WITH PRIMARY HYPOGONADISM, MENTAL RETARDATION, AND ALOPECIA; Hypogonadism, Alopecia, Diabetes Mellitus, Mental Retardation, and Extrapyramidal Syndrome; Hypogonadism, diabetes mellitus, alopecia, mental retardation and electrocardiographic abnormalities. Identifiers: Orphanet 3464, MedGen C0342286, MONDO:0009419, OMIM 241080.

Submission:

Labcorp Genetics (formerly Invitae), Labcorp
Classification: Pathogenic for Woodhouse-Sakati syndrome. Last evaluated: 2024-12-16. Review status: criteria provided, single submitter. Criteria: Invitae Variant Classification Sherloc (09022015). Collection method: clinical testing. Allele origin: germline.
Comment: This sequence change creates a premature translational stop signal (p.Ser411Lysfs*3) in the DCAF17 gene. It is expected to result in an absent or disrupted protein product. Loss-of-function variants in DCAF17 are known to be pathogenic (PMID: 19026396, 20507343). The frequency data for this variant in the population databases is considered unreliable, as metrics indicate poor data quality at this position in the gnomAD database. This variant has not been reported in the literature in individuals affected with DCAF17-related conditions. Algorithms developed to predict the effect of sequence changes on RNA splicing suggest that this variant may disrupt the consensus splice site. For these reasons, this variant has been classified as Pathogenic.

Literature cited by the submitters: PubMed 19026396; PubMed 20507343.